The following is an entry in ClinVar:

NM_016360.4(TACO1):c.516-18T>A

Gene: TACO1 (translational activator of cytochrome c oxidase I; plus strand). Cytogenetic location: 17q23.3.
Variant type: single nucleotide variant.
Coding change: c.516-18T>A on transcript NM_016360.4 (MANE Select); 18 bases into the intron before coding-DNA position 516, T replaced by A.
Molecular consequence: intron variant.
Genome position (GRCh38, 1-based): chr17:63,607,269, T>A. VCF-style: chr17-63607269-T-A. GRCh37 (hg19) VCF-style: chr17-61684629-T-A.
Identifiers: ClinVar variation 139387 (VCV000139387.27), dbSNP rs138066238, ClinGen allele CA293854.

ClinVar aggregate classification (germline): Benign/Likely benign. Review status: criteria provided, multiple submitters, no conflicts (2 of 4 stars). 4 submissions from 4 submitters: Benign (2); Likely benign (2). Last evaluated 2026-07-01.

Allele frequency attached by ClinVar (database versions not stated): 1000 Genomes Project 30x 0.00078; 1000 Genomes Project 0.00080; gnomAD 0.00282 and 0.00286; ExAC 0.00283; TOPMed 0.00289; gnomAD exomes 0.00292 and 0.00421; ESP Exome Variant Server 0.00369.
gnomAD v4.1: 6,623 of 1,612,568 alleles (0.41%); highest among the groups gnomAD compares: Non-Finnish European, 0.47%; 20 homozygotes.

Submissions (22):

CeGaT Center for Human Genetics Tuebingen
Classification: Likely benign. Last evaluated: 2026-07-01. Review status: criteria provided, single submitter. Criteria: CeGaT Center For Human Genetics Tuebingen Variant Classification Criteria Version 2. Collection method: clinical testing. Allele origin: germline. Affected: yes. Observed: 5 variant alleles.
Comment: TACO1: BS2

Labcorp Genetics (formerly Invitae), Labcorp
Classification: Benign. Last evaluated: 2026-01-21. Review status: criteria provided, single submitter. Criteria: Invitae Variant Classification Sherloc (09022015). Collection method: clinical testing. Allele origin: germline.

Blueprint Genetics
Classification: Likely benign. Last evaluated: 2024-10-28. Review status: criteria provided, single submitter. Criteria: ACMG Guidelines, 2015. Collection method: clinical testing. Allele origin: germline.

GeneDx
Classification: Benign. Last evaluated: 2012-05-01. Review status: criteria provided, single submitter. Criteria: GeneDx Variant Classification (06012015). Collection method: clinical testing. Allele origin: germline. Affected: yes.
Comment: This variant is considered likely benign or benign based on one or more of the following criteria: it is a conservative change, it occurs at a poorly conserved position in the protein, it is predicted to be benign by multiple in silico algorithms, and/or has population frequency not consistent with disease.

Dr. Peter K. Rogan Lab, Western University
No classification provided (evidence only). Condition: Familial cancer of breast. Review status: no classification provided. Collection method: in vitro. Allele origin: not applicable. Functional consequence: retained intron. Not counted in ClinVar's aggregate classification.

Dr. Peter K. Rogan Lab, Western University
No classification provided (evidence only). Condition: Familial cancer of breast. Review status: no classification provided. Collection method: in vitro. Allele origin: not applicable. Functional consequence: retained intron. Not counted in ClinVar's aggregate classification.

Dr. Peter K. Rogan Lab, Western University
No classification provided (evidence only). Condition: Familial cancer of breast. Review status: no classification provided. Collection method: in vitro. Allele origin: not applicable. Functional consequence: retained intron. Not counted in ClinVar's aggregate classification.

Dr. Peter K. Rogan Lab, Western University
No classification provided (evidence only). Condition: Acute myeloid leukemia. Review status: no classification provided. Collection method: in vitro. Allele origin: not applicable. Functional consequence: retained intron. Not counted in ClinVar's aggregate classification.

Dr. Peter K. Rogan Lab, Western University
No classification provided (evidence only). Condition: Cervical cancer. Review status: no classification provided. Collection method: in vitro. Allele origin: not applicable. Functional consequence: retained intron. Not counted in ClinVar's aggregate classification.

Dr. Peter K. Rogan Lab, Western University
No classification provided (evidence only). Condition: Cervical cancer. Review status: no classification provided. Collection method: in vitro. Allele origin: not applicable. Functional consequence: retained intron. Not counted in ClinVar's aggregate classification.

Dr. Peter K. Rogan Lab, Western University
No classification provided (evidence only). Condition: Cervical cancer. Review status: no classification provided. Collection method: in vitro. Allele origin: not applicable. Functional consequence: skipped exon, retained intron. Not counted in ClinVar's aggregate classification.

Dr. Peter K. Rogan Lab, Western University
No classification provided (evidence only). Condition: Sarcoma. Review status: no classification provided. Collection method: in vitro. Allele origin: not applicable. Functional consequence: retained intron. Not counted in ClinVar's aggregate classification.

Dr. Peter K. Rogan Lab, Western University
No classification provided (evidence only). Condition: Sarcoma. Review status: no classification provided. Collection method: in vitro. Allele origin: not applicable. Functional consequence: retained intron. Not counted in ClinVar's aggregate classification.

Dr. Peter K. Rogan Lab, Western University
No classification provided (evidence only). Condition: Sarcoma. Review status: no classification provided. Collection method: in vitro. Allele origin: not applicable. Functional consequence: retained intron. Not counted in ClinVar's aggregate classification.

Dr. Peter K. Rogan Lab, Western University
No classification provided (evidence only). Condition: Thymoma. Review status: no classification provided. Collection method: in vitro. Allele origin: not applicable. Functional consequence: retained intron. Not counted in ClinVar's aggregate classification.

Dr. Peter K. Rogan Lab, Western University
No classification provided (evidence only). Condition: Ovarian serous cystadenocarcinoma. Review status: no classification provided. Collection method: in vitro. Allele origin: not applicable. Functional consequence: retained intron. Not counted in ClinVar's aggregate classification.

Dr. Peter K. Rogan Lab, Western University
No classification provided (evidence only). Condition: Ovarian serous cystadenocarcinoma. Review status: no classification provided. Collection method: in vitro. Allele origin: not applicable. Functional consequence: retained intron. Not counted in ClinVar's aggregate classification.

Dr. Peter K. Rogan Lab, Western University
No classification provided (evidence only). Condition: Ovarian serous cystadenocarcinoma. Review status: no classification provided. Collection method: in vitro. Allele origin: not applicable. Functional consequence: retained intron. Not counted in ClinVar's aggregate classification.

Dr. Peter K. Rogan Lab, Western University
No classification provided (evidence only). Condition: Uveal melanoma. Review status: no classification provided. Collection method: in vitro. Allele origin: not applicable. Functional consequence: retained intron. Not counted in ClinVar's aggregate classification.

Dr. Peter K. Rogan Lab, Western University
No classification provided (evidence only). Condition: Malignant tumor of esophagus. Review status: no classification provided. Collection method: in vitro. Allele origin: not applicable. Functional consequence: retained intron. Not counted in ClinVar's aggregate classification.

Dr. Peter K. Rogan Lab, Western University
No classification provided (evidence only). Condition: Malignant tumor of esophagus. Review status: no classification provided. Collection method: in vitro. Allele origin: not applicable. Functional consequence: retained intron. Not counted in ClinVar's aggregate classification.

Dr. Peter K. Rogan Lab, Western University
No classification provided (evidence only). Condition: Malignant tumor of esophagus. Review status: no classification provided. Collection method: in vitro. Allele origin: not applicable. Functional consequence: skipped exon, retained intron. Not counted in ClinVar's aggregate classification.